The following is an entry in ClinVar:

NM_024334.3(TMEM43):c.289A>G (p.Thr97Ala)

Gene: TMEM43 (transmembrane protein 43; plus strand). Cytogenetic location: 3p25.1.
Variant type: single nucleotide variant.
Coding change: c.289A>G on transcript NM_024334.3 (MANE Select); coding-DNA position 289, A replaced by G.
Protein change: p.Thr97Ala; replaces threonine 97 with alanine.
Molecular consequence: missense variant.
Genome position (GRCh38, 1-based): chr3:14,130,948, A>G. VCF-style: chr3-14130948-A-G. GRCh37 (hg19) VCF-style: chr3-14172448-A-G.
Other names: c.289A>G, p.Thr97Ala (NM_001407274.1, NM_001407275.1, NM_001407276.1 and 2 more transcripts); c.274A>G, p.Thr92Ala (NM_001407278.1); c.139A>G, p.Thr47Ala (NM_001407280.1); short protein forms T97A, T47A, T92A.
Identifiers: ClinVar variation 3327107 (VCV003327107.1).

ClinVar aggregate classification (germline): Uncertain significance (1 of 4 stars; one submission).

Conditions:
Cardiovascular phenotype. Identifiers: MedGen CN230736.

Submission:

Ambry Genetics
Classification: Uncertain significance for Cardiovascular phenotype. Last evaluated: 2024-06-16. Review status: criteria provided, single submitter. Criteria: Ambry Variant Classification Scheme 2023. Collection method: clinical testing. Allele origin: germline.
Comment: The p.T97A variant (also known as c.289A>G), located in coding exon 3 of the TMEM43 gene, results from an A to G substitution at nucleotide position 289. The threonine at codon 97 is replaced by alanine, an amino acid with similar properties. This amino acid position is conserved. In addition, the in silico prediction for this alteration is inconclusive. Based on the available evidence, the clinical significance of this variant remains unclear.